The following is an entry in ClinVar:

NM_001375524.1(TRRAP):c.5334+5G>A

Genes: TRRAP (transformation/transcription domain associated protein; plus strand), LOC126860121 (MED14-independent group 3 enhancer GRCh37_chr7:98547245-98548444; plus strand). Cytogenetic location: 7q22.1.
Variant type: single nucleotide variant.
Coding change: c.5334+5G>A on transcript NM_001375524.1 (MANE Select); 5 bases into the intron after coding-DNA position 5334, G replaced by A.
Molecular consequence: intron variant.
Genome position (GRCh38, 1-based): chr7:98,950,267, G>A. VCF-style: chr7-98950267-G-A. GRCh37 (hg19) VCF-style: chr7-98547890-G-A.
Other names: c.5313+5G>A (NM_001244580.2); c.5259+5G>A (NM_003496.4).
Identifiers: ClinVar variation 3724929 (VCV003724929.2).

ClinVar aggregate classification (germline): Uncertain significance (1 of 4 stars; one submission).

Submission:

Labcorp Genetics (formerly Invitae), Labcorp
Classification: Uncertain significance. Last evaluated: 2024-11-10. Review status: criteria provided, single submitter. Criteria: Invitae Variant Classification Sherloc (09022015). Collection method: clinical testing. Allele origin: germline.
Comment: This sequence change falls in intron 36 of the TRRAP gene. It does not directly change the encoded amino acid sequence of the TRRAP protein. It affects a nucleotide within the consensus splice site. This variant is not present in population databases (gnomAD no frequency). This variant has not been reported in the literature in individuals affected with TRRAP-related conditions. Variants that disrupt the consensus splice site are a relatively common cause of aberrant splicing (PMID: 17576681, 9536098). Algorithms developed to predict the effect of sequence changes on RNA splicing suggest that this variant may disrupt the consensus splice site. In summary, the available evidence is currently insufficient to determine the role of this variant in disease. Therefore, it has been classified as a Variant of Uncertain Significance.

Literature cited by the submitters: PubMed 17576681; PubMed 9536098.